The following is an entry in ClinVar:

ClinVar aggregate classification (germline): Uncertain significance. Review status: criteria provided, multiple submitters, no conflicts (2 of 4 stars). 2 submissions from 2 submitters: Uncertain significance (2). Last evaluated 2025-01-15.

Allele frequency attached by ClinVar (database versions not stated): gnomAD exomes below 0.00001; gnomAD 0.00001.
gnomAD v4.1: 5 of 1,606,124 alleles (0.00031%); highest among the groups gnomAD compares: East Asian, 0.0023%; no homozygotes.

Submissions (2):

Labcorp Genetics (formerly Invitae), Labcorp
Classification: Uncertain significance. Last evaluated: 2025-01-15. Review status: criteria provided, single submitter. Criteria: Invitae Variant Classification Sherloc (09022015). Collection method: clinical testing. Allele origin: germline.
Comment: This sequence change replaces arginine, which is basic and polar, with cysteine, which is neutral and slightly polar, at codon 228 of the DRAM2 protein (p.Arg228Cys). This variant is present in population databases (no rsID available, gnomAD 0.004%). This missense change has been observed in individual(s) with inherited retinal dystrophy (internal data). ClinVar contains an entry for this variant (Variation ID: 1391104). Invitae Evidence Modeling of protein sequence and biophysical properties (such as structural, functional, and spatial information, amino acid conservation, physicochemical variation, residue mobility, and thermodynamic stability) has been performed for this missense variant. However, the output from this modeling did not meet the statistical confidence thresholds required to predict the impact of this variant on DRAM2 protein function. This variant disrupts the p.Arg228 amino acid residue in DRAM2. Other variant(s) that disrupt this residue have been observed in individuals with DRAM2-related conditions (PMID: 33608557; internal data), which suggests that this may be a clinically significant amino acid residue. In summary, the available evidence is currently insufficient to determine the role of this variant in disease. Therefore, it has been classified as a Variant of Uncertain Significance.

Blueprint Genetics
Classification: Uncertain significance. Last evaluated: 2023-11-29. Review status: criteria provided, single submitter. Criteria: ACMG Guidelines, 2015. Collection method: clinical testing. Allele origin: germline.

Literature cited by the submitters: PubMed 33608557 (cited by Labcorp Genetics (formerly Invitae), Labcorp).

NM_001349884.2(DRAM2):c.682C>T (p.Arg228Cys)

Gene: DRAM2 (DNA damage regulated autophagy modulator 2; minus strand). Cytogenetic location: 1p13.3.
Variant type: single nucleotide variant.
Coding change: c.682C>T on transcript NM_001349884.2 (MANE Select); coding-DNA position 682, C replaced by T.
Protein change: p.Arg228Cys; replaces arginine 228 with cysteine.
Molecular consequence: missense variant. On other transcripts: non-coding transcript variant (8).
Genome position (GRCh38, 1-based): chr1:111,118,816, G>A on the plus strand (C>T on the coding strand, the complement: DRAM2 is on the minus strand). VCF-style: chr1-111118816-G-A. GRCh37 (hg19) VCF-style: chr1-111661438-G-A.
Other names: c.682C>T, p.Arg228Cys (NM_001349881.2, NM_001349882.2, NM_001349885.2 and 1 more transcripts); c.412C>T, p.Arg138Cys (NM_001349886.2, NM_001349887.2, NM_001349888.2); c.292C>T, p.Arg98Cys (NM_001349889.2, NM_001349890.2, NM_001349891.2 and 2 more transcripts); short protein forms R228C, R98C, R138C.
Identifiers: ClinVar variation 1391104 (VCV001391104.9), dbSNP rs1006789754, ClinGen allele CA29288957.